The following is an entry in ClinVar:

ClinVar aggregate classification (germline): Uncertain significance (1 of 4 stars; one submission).

Conditions:
Hereditary cancer-predisposing syndrome. Also called: Tumor predisposition; Hereditary neoplastic syndrome; Neoplastic Syndromes, Hereditary; Hereditary Cancer Syndrome. Identifiers: Orphanet 140162, MedGen C0027672, MeSH D009386, MONDO:0015356.

Submission:

Ambry Genetics
Classification: Uncertain significance for Hereditary cancer-predisposing syndrome. Last evaluated: 2025-06-05. Review status: criteria provided, single submitter. Criteria: Ambry Variant Classification Scheme 2023. Collection method: clinical testing. Allele origin: germline.
Comment: The p.V786L variant (also known as c.2356G>C), located in coding exon 20 of the EGFR gene, results from a G to C substitution at nucleotide position 2356. The valine at codon 786 is replaced by leucine, an amino acid with highly similar properties. This amino acid position is highly conserved in available vertebrate species. In addition, the in silico prediction for this alteration is inconclusive. Based on the available evidence, the clinical significance of this variant remains unclear.

NM_005228.5(EGFR):c.2356G>C (p.Val786Leu)

Genes: EGFR (epidermal growth factor receptor; plus strand), EGFR-AS1 (EGFR antisense RNA 1; minus strand). Cytogenetic location: 7p11.2.
Variant type: single nucleotide variant.
Coding change: c.2356G>C on transcript NM_005228.5 (MANE Select); coding-DNA position 2356, G replaced by C.
Protein change: p.Val786Leu; replaces valine 786 with leucine.
Molecular consequence: missense variant. On other transcripts: non-coding transcript variant (1).
Genome position (GRCh38, 1-based): chr7:55,181,365, G>C. VCF-style: chr7-55181365-G-C. GRCh37 (hg19) VCF-style: chr7-55249058-G-C.
Other names: c.2221G>C, p.Val741Leu (NM_001346897.2, NM_001346899.2); c.2356G>C, p.Val786Leu (NM_001346898.2); c.2197G>C, p.Val733Leu (NM_001346900.2); c.1555G>C, p.Val519Leu (NM_001346941.2); short protein forms V733L, V741L, V519L, V786L.
Identifiers: ClinVar variation 4016807 (VCV004016807.1).
Genomic context (GRCh38, chr7:55,181,365, plus strand): 5'-ATGGCCAGCGTGGACAACCCCCACGTGTGCCGCCTGCTGGGCATCTGCCTCACCTCCACC[G>C]TGCAGCTCATCACGCAGCTCATGCCCTTCGGCTGCCTCCTGGACTATGTCCGGGAACACA-3'
Protein context (NP_005219.2, residues 776-796): RLLGICLTST[Val786Leu]QLITQLMPFG